The following is an entry in ClinVar:

ClinVar aggregate classification (germline): Benign/Likely benign. Review status: criteria provided, multiple submitters, no conflicts (2 of 4 stars). 4 submissions from 4 submitters: Benign (2); Likely benign (1). 1 of the submissions does not count toward it. Last evaluated 2026-01-19.

Conditions:
KIAA1549-related disorder. Also called: KIAA1549-related condition.

Allele frequency attached by ClinVar (database versions not stated): gnomAD exomes 0.00014 and 0.00028; ExAC 0.00056; ESP Exome Variant Server 0.00116; gnomAD 0.00128 and 0.00132; TOPMed 0.00131; 1000 Genomes Project 0.00180; 1000 Genomes Project 30x 0.00203.
gnomAD v4.1: 442 of 1,597,836 alleles (0.028%); highest among the groups gnomAD compares: African/African-American, 0.49%; 3 homozygotes.

Submissions (4):

Labcorp Genetics (formerly Invitae), Labcorp
Classification: Benign. Last evaluated: 2026-01-19. Review status: criteria provided, single submitter. Criteria: Invitae Variant Classification Sherloc (09022015). Collection method: clinical testing. Allele origin: germline.

Blueprint Genetics
Classification: Likely benign. Last evaluated: 2024-10-18. Review status: criteria provided, single submitter. Criteria: ACMG Guidelines, 2015. Collection method: clinical testing. Allele origin: germline.

Breakthrough Genomics
Classification: Benign. Review status: criteria provided, single submitter. Criteria: ACMG Guidelines, 2015. Collection method: not provided. Allele origin: germline. Inheritance: Autosomal recessive inheritance. Affected: yes.

PreventionGenetics, part of Exact Sciences
Classification: Likely benign for KIAA1549-related condition. Last evaluated: 2022-04-18. Review status: no assertion criteria provided. Collection method: clinical testing. Allele origin: germline. Not counted in ClinVar's aggregate classification.
Comment: This variant is classified as likely benign based on ACMG/AMP sequence variant interpretation guidelines (Richards et al. 2015 PMID: 25741868, with internal and published modifications).

NM_001164665.2(KIAA1549):c.1802C>T (p.Ser601Leu)

Gene: KIAA1549 (KIAA1549; minus strand). Cytogenetic location: 7q34.
Variant type: single nucleotide variant.
Coding change: c.1802C>T on transcript NM_001164665.2 (MANE Select); coding-DNA position 1802, C replaced by T.
Protein change: p.Ser601Leu; replaces serine 601 with leucine.
Molecular consequence: missense variant.
Genome position (GRCh38, 1-based): chr7:138,917,824, G>A on the plus strand (C>T on the coding strand, the complement: KIAA1549 is on the minus strand). VCF-style: chr7-138917824-G-A. GRCh37 (hg19) VCF-style: chr7-138602570-G-A.
Other names: c.1802C>T, p.Ser601Leu (NM_020910.3); short protein forms S601L.
Identifiers: ClinVar variation 735615 (VCV000735615.15), dbSNP rs149565300, ClinGen allele CA4506628.